The following is an entry in ClinVar:

NM_172351.3(CD46):c.728G>C (p.Gly243Ala)

Gene: CD46 (CD46 molecule; plus strand). Cytogenetic location: 1q32.2.
Variant type: single nucleotide variant.
Coding change: c.728G>C on transcript NM_172351.3 (MANE Select); coding-DNA position 728, G replaced by C.
Protein change: p.Gly243Ala; replaces glycine 243 with alanine.
Molecular consequence: missense variant.
Genome position (GRCh38, 1-based): chr1:207,767,067, G>C. VCF-style: chr1-207767067-G-C. GRCh37 (hg19) VCF-style: chr1-207940412-G-C.
Other names: c.728G>C, p.Gly243Ala (NM_002389.4, NM_153826.4, NM_172350.3 and 8 more transcripts); short protein forms G243A.
Identifiers: ClinVar variation 4291177 (VCV004291177.1).

ClinVar aggregate classification (germline): Uncertain significance (1 of 4 stars; one submission).

Conditions:
Atypical hemolytic-uremic syndrome. Identifiers: Orphanet 2134, MedGen C2931788, MONDO:0016244.

Submission:

Genomenon, Inc
Classification: Uncertain significance for Atypical hemolytic-uremic syndrome. Last evaluated: 2025-10-02. Review status: criteria provided, single submitter. Criteria: Genomenon Sequence Variant Interpretation Standards. Collection method: curation. Allele origin: germline. Affected: no.
Comment: CD46 p.Gly243Ala (c.728G>C) is a missense variant that changes the amino acid at residue 243 from Glycine to Alanine. This variant has been reported in the published literature (PMID:10960475). It is absent or not present at a significant frequency in gnomAD. In silico models agree that this variant is not damaging. In conclusion, we classify CD46 p.Gly243Ala (c.728G>C) as a variant of uncertain significance.

Literature cited by the submitters: PubMed 10960475.